The following is an entry in ClinVar:

ClinVar aggregate classification (germline): Pathogenic (1 of 4 stars; one submission).

Submission:

GeneDx
Classification: Pathogenic. Last evaluated: 2017-06-07. Review status: criteria provided, single submitter. Criteria: GeneDx Variant Classification (06012015). Collection method: clinical testing. Allele origin: germline. Affected: yes.
Comment: The c.585-2 A>T splice site variant in the MPZ gene destroys the canonical splice acceptor site in intron 4. It is predicted to cause abnormal gene splicing, either leading to an abnormal message that is subject to nonsense-mediated mRNA decay, or to an abnormal protein product if the message is used for protein translation. The c.585-2 A>T variant is not observed in large population cohorts (Lek et al., 2016; 1000 Genomes Consortium et al., 2015; Exome Variant Server). Although the c.585-2 A>T pathogenic variant has not been previously reported to our knowledge, its presence is consistent with the diagnosis of a MPZ-related neuropathy in this individual.

NM_000530.8(MPZ):c.585-2A>T

Gene: MPZ (myelin protein zero; minus strand). Cytogenetic location: 1q23.3.
Variant type: single nucleotide variant.
Coding change: c.585-2A>T on transcript NM_000530.8 (MANE Select); the canonical splice acceptor site of the intron before coding-DNA position 585, A replaced by T.
Molecular consequence: splice acceptor variant.
Genome position (GRCh38, 1-based): chr1:161,306,170, T>A on the plus strand (A>T on the coding strand, the complement: MPZ is on the minus strand). VCF-style: chr1-161306170-T-A. GRCh37 (hg19) VCF-style: chr1-161275960-T-A.
Other names: c.585-2A>T (NM_001315491.2).
Identifiers: ClinVar variation 432541 (VCV000432541.2), dbSNP rs1553259536, ClinGen allele CA343345060.